The following is an entry in ClinVar:

NM_194255.4(SLC19A1):c.460G>A (p.Gly154Ser)

Gene: SLC19A1 (solute carrier family 19 member 1; minus strand). Cytogenetic location: 21q22.3.
Variant type: single nucleotide variant.
Coding change: c.460G>A on transcript NM_194255.4 (MANE Select); coding-DNA position 460, G replaced by A.
Protein change: p.Gly154Ser; replaces glycine 154 with serine.
Molecular consequence: missense variant.
Genome position (GRCh38, 1-based): chr21:45,531,878, C>T on the plus strand (G>A on the coding strand, the complement: SLC19A1 is on the minus strand). VCF-style: chr21-45531878-C-T. GRCh37 (hg19) VCF-style: chr21-46951792-C-T.
Other names: c.460G>A, p.Gly154Ser (NM_001205206.4, NM_001352511.3, NM_001352512.2); c.340G>A, p.Gly114Ser (NM_001205207.3); c.106G>A, p.Gly36Ser (NM_001352510.2); short protein forms G114S, G154S, G36S.
Identifiers: ClinVar variation 1399938 (VCV001399938.6), dbSNP rs780465334, ClinGen allele CA10068602.

ClinVar aggregate classification (germline): Uncertain significance (1 of 4 stars; one submission).

Allele frequency attached by ClinVar (database versions not stated): gnomAD 0.00002; gnomAD exomes 0.00002; TOPMed 0.00002; ExAC 0.00004.
gnomAD v4.1: 15 of 1,586,336 alleles (0.00095%); highest among the groups gnomAD compares: Non-Finnish European, 0.0012%; no homozygotes.

Submission:

Labcorp Genetics (formerly Invitae), Labcorp
Classification: Uncertain significance. Last evaluated: 2023-07-07. Review status: criteria provided, single submitter. Criteria: Invitae Variant Classification Sherloc (09022015). Collection method: clinical testing. Allele origin: germline.
Comment: Algorithms developed to predict the effect of missense changes on protein structure and function output the following: SIFT: "Not Available"; PolyPhen-2: "Benign"; Align-GVGD: "Not Available". The serine amino acid residue is found in multiple mammalian species, which suggests that this missense change does not adversely affect protein function. ClinVar contains an entry for this variant (Variation ID: 1399938). This variant has not been reported in the literature in individuals affected with SLC19A1-related conditions. This variant is present in population databases (rs780465334, gnomAD 0.005%). This sequence change replaces glycine, which is neutral and non-polar, with serine, which is neutral and polar, at codon 154 of the SLC19A1 protein (p.Gly154Ser). In summary, the available evidence is currently insufficient to determine the role of this variant in disease. Therefore, it has been classified as a Variant of Uncertain Significance.